The following is an entry in ClinVar:

ClinVar aggregate classification (germline): Likely pathogenic (1 of 4 stars; one submission).

Conditions:
Cataract 22 multiple types. Also called: Cataract 22; CATARACT 22, NUCLEAR, AUTOSOMAL RECESSIVE; CATARACT 22, MULTIPLE TYPES, AUTOSOMAL DOMINANT. Identifiers: Orphanet 91492, MedGen C1857853, MONDO:0012336, OMIM 609741.

Submission:

Labcorp Genetics (formerly Invitae), Labcorp
Classification: Likely pathogenic for Cataract 22 multiple types. Last evaluated: 2022-07-12. Review status: criteria provided, single submitter. Criteria: Invitae Variant Classification Sherloc (09022015). Collection method: clinical testing. Allele origin: germline.
Comment: This sequence change replaces isoleucine, which is neutral and non-polar, with arginine, which is basic and polar, at codon 131 of the CRYBB3 protein (p.Ile131Arg). This variant is not present in population databases (gnomAD no frequency). This missense change has been observed in individual(s) with clinical features of autosomal dominant congenital cataract (Invitae). In at least one individual the variant was observed to be de novo. Algorithms developed to predict the effect of missense changes on protein structure and function are either unavailable or do not agree on the potential impact of this missense change (SIFT: "Deleterious"; PolyPhen-2: "Probably Damaging"; Align-GVGD: "Class C0"). In summary, the currently available evidence indicates that the variant is pathogenic, but additional data are needed to prove that conclusively. Therefore, this variant has been classified as Likely Pathogenic.

NM_004076.5(CRYBB3):c.392T>G (p.Ile131Arg)

Gene: CRYBB3 (crystallin beta B3; plus strand). Cytogenetic location: 22q11.23.
Variant type: single nucleotide variant.
Coding change: c.392T>G on transcript NM_004076.5 (MANE Select); coding-DNA position 392, T replaced by G.
Protein change: p.Ile131Arg; replaces isoleucine 131 with arginine.
Molecular consequence: missense variant.
Genome position (GRCh38, 1-based): chr22:25,205,284, T>G. VCF-style: chr22-25205284-T-G. GRCh37 (hg19) VCF-style: chr22-25601251-T-G.
Other names: short protein forms I131R.
Identifiers: ClinVar variation 2009486 (VCV002009486.4), dbSNP rs199791142, ClinGen allele CA410984895.